The following is an entry in ClinVar:

ClinVar aggregate classification (germline): Uncertain significance. Review status: criteria provided, multiple submitters, no conflicts (2 of 4 stars). 2 submissions from 2 submitters: Uncertain significance (2). Last evaluated 2025-05-23.

Conditions:
RAI1-related disorder. Also called: RAI1-related condition.

Submissions (2):

PreventionGenetics, part of Exact Sciences
Classification: Uncertain significance for RAI1-related condition. Last evaluated: 2025-05-23. Review status: criteria provided, single submitter. Criteria: ACMG Guidelines, 2015. Collection method: clinical testing. Allele origin: germline.
Comment: The RAI1 c.3052C>A variant is predicted to result in the amino acid substitution p.Pro1018Thr. To our knowledge, this variant has not been reported in the literature or in a large population database (gnomAD), indicating this variant is rare. At this time, the clinical significance of this variant is uncertain due to the absence of conclusive functional and genetic evidence.

Labcorp Genetics (formerly Invitae), Labcorp
Classification: Uncertain significance. Last evaluated: 2024-02-24. Review status: criteria provided, single submitter. Criteria: Invitae Variant Classification Sherloc (09022015). Collection method: clinical testing. Allele origin: germline.
Comment: This sequence change replaces proline, which is neutral and non-polar, with threonine, which is neutral and polar, at codon 1018 of the RAI1 protein (p.Pro1018Thr). This variant is not present in population databases (gnomAD no frequency). This variant has not been reported in the literature in individuals affected with RAI1-related conditions. ClinVar contains an entry for this variant (Variation ID: 1973244). Advanced modeling of protein sequence and biophysical properties (such as structural, functional, and spatial information, amino acid conservation, physicochemical variation, residue mobility, and thermodynamic stability) performed at Invitae indicates that this missense variant is not expected to disrupt RAI1 protein function with a negative predictive value of 80%. In summary, the available evidence is currently insufficient to determine the role of this variant in disease. Therefore, it has been classified as a Variant of Uncertain Significance.

NM_030665.4(RAI1):c.3052C>A (p.Pro1018Thr)

Gene: RAI1 (retinoic acid induced 1; plus strand). Cytogenetic location: 17p11.2.
Variant type: single nucleotide variant.
Coding change: c.3052C>A on transcript NM_030665.4 (MANE Select); coding-DNA position 3052, C replaced by A.
Protein change: p.Pro1018Thr; replaces proline 1018 with threonine.
Molecular consequence: missense variant.
Genome position (GRCh38, 1-based): chr17:17,796,000, C>A. VCF-style: chr17-17796000-C-A. GRCh37 (hg19) VCF-style: chr17-17699314-C-A.
Other names: c.3052C>A (NM_030665.3); short protein forms P1018T.
Identifiers: ClinVar variation 1973244 (VCV001973244.6), dbSNP rs2032228066, ClinGen allele CA398552805.